The following is an entry in ClinVar:

NM_021098.3(CACNA1H):c.5C>A (p.Thr2Asn)

Gene: CACNA1H (calcium voltage-gated channel subunit alpha1 H; plus strand). Cytogenetic location: 16p13.3.
Variant type: single nucleotide variant.
Coding change: c.5C>A on transcript NM_021098.3 (MANE Select); coding-DNA position 5, C replaced by A.
Protein change: p.Thr2Asn; replaces threonine 2 with asparagine.
Molecular consequence: missense variant.
Genome position (GRCh38, 1-based): chr16:1,153,742, C>A. VCF-style: chr16-1153742-C-A. GRCh37 (hg19) VCF-style: chr16-1203742-C-A.
Other names: c.5C>A, p.Thr2Asn (NM_001005407.2); short protein forms T2N.
Identifiers: ClinVar variation 2139547 (VCV002139547.4), dbSNP rs1335993092, ClinGen allele CA394145226.

ClinVar aggregate classification (germline): Uncertain significance (1 of 4 stars; one submission).

Conditions:
Idiopathic generalized epilepsy. Also called: EIG; Generalised epilepsy. Identifiers: MedGen C0270850, MONDO:0005579, OMIM 600669.
Hyperaldosteronism, familial, type IV (HALD4). Also called: FH IV; ALDOSTERONISM, PRIMARY, AND HYPERTENSION. Identifiers: Orphanet 642671, MedGen C4310756, MONDO:0014875, OMIM 617027.

gnomAD v4.1: 8 of 1,209,908 alleles (0.00066%); highest among the groups gnomAD compares: Non-Finnish European, 0.00072%; no homozygotes.

Submission:

Labcorp Genetics (formerly Invitae), Labcorp
Classification: Uncertain significance for Idiopathic generalized epilepsy; Hyperaldosteronism, familial, type IV. Last evaluated: 2022-11-08. Review status: criteria provided, single submitter. Criteria: Invitae Variant Classification Sherloc (09022015). Collection method: clinical testing. Allele origin: germline.
Comment: This sequence change replaces threonine, which is neutral and polar, with asparagine, which is neutral and polar, at codon 2 of the CACNA1H protein (p.Thr2Asn). This variant is not present in population databases (gnomAD no frequency). This variant has not been reported in the literature in individuals affected with CACNA1H-related conditions. Advanced modeling of protein sequence and biophysical properties (such as structural, functional, and spatial information, amino acid conservation, physicochemical variation, residue mobility, and thermodynamic stability) performed at Invitae indicates that this missense variant is not expected to disrupt CACNA1H protein function. In summary, the available evidence is currently insufficient to determine the role of this variant in disease. Therefore, it has been classified as a Variant of Uncertain Significance.